The following is an entry in ClinVar:

ClinVar aggregate classification (germline): Uncertain significance (1 of 4 stars; one submission).

Conditions:
Dyskeratosis congenita. Identifiers: Orphanet 1775, MedGen C0265965, MONDO:0015780.

Submission:

Labcorp Genetics (formerly Invitae), Labcorp
Classification: Uncertain significance for Dyskeratosis congenita. Last evaluated: 2023-03-15. Review status: criteria provided, single submitter. Criteria: Invitae Variant Classification Sherloc (09022015). Collection method: clinical testing. Allele origin: germline.
Comment: This sequence change affects a donor splice site in intron 2 of the TINF2 gene. It is expected to disrupt RNA splicing. Variants that disrupt the donor or acceptor splice site typically lead to a loss of protein function (PMID: 16199547), however the current clinical and genetic evidence is not sufficient to establish whether loss-of-function variants in TINF2 cause disease. In summary, the available evidence is currently insufficient to determine the role of this variant in disease. Therefore, it has been classified as a Variant of Uncertain Significance. Algorithms developed to predict the effect of sequence changes on RNA splicing suggest that this variant may disrupt the consensus splice site. This variant has not been reported in the literature in individuals affected with TINF2-related conditions. This variant is not present in population databases (gnomAD no frequency).

Literature cited by the submitters: PubMed 16199547.

NM_001099274.3(TINF2):c.297+1G>A

Gene: TINF2 (TERF1 interacting nuclear factor 2; minus strand). Cytogenetic location: 14q12.
Variant type: single nucleotide variant.
Coding change: c.297+1G>A on transcript NM_001099274.3 (MANE Select); the canonical splice donor site of the intron after coding-DNA position 297, G replaced by A.
Molecular consequence: splice donor variant. On other transcripts: intron variant (1).
Genome position (GRCh38, 1-based): chr14:24,241,889, C>T on the plus strand (G>A on the coding strand, the complement: TINF2 is on the minus strand). VCF-style: chr14-24241889-C-T. GRCh37 (hg19) VCF-style: chr14-24711095-C-T.
Other names: c.297+1G>A (NM_012461.3); c.193-113G>A (NM_001363668.2).
Identifiers: ClinVar variation 2835108 (VCV002835108.3), dbSNP rs2502465141, ClinGen allele CA389233684.